The following is an entry in ClinVar:

ClinVar aggregate classification (germline): Uncertain significance (1 of 4 stars; one submission).

Conditions:
Meniere disease. Also called: Ménière's disease. Identifiers: MedGen C0025281, MONDO:0007972, OMIM 156000.

gnomAD v4.1: 513 of 1,614,202 alleles (0.032%); highest among the groups gnomAD compares: African/African-American, 0.59%; 2 homozygotes.

Submission:

Meniere Disease Neuroscience Research Program, Faculty of Medicine and Health, Kolling Institute, The University of Sydney
Classification: Uncertain significance for Meniere disease. Last evaluated: 2025-12-27. Review status: criteria provided, single submitter. Criteria: ClinGen HL ACMG Specifications v1. Collection method: research. Allele origin: germline. Affected: yes.
Comment: This variant has an amino acid change at p.Leu673Val. This indivial shares mutation chr3:52223761C>A in the TLR9 gene.

NM_017442.4(TLR9):c.2017C>G (p.Leu673Val)

Gene: TLR9 (toll like receptor 9; minus strand). Cytogenetic location: 3p21.2.
Variant type: single nucleotide variant.
Coding change: c.2017C>G on transcript NM_017442.4 (MANE Select); coding-DNA position 2017, C replaced by G.
Protein change: p.Leu673Val; replaces leucine 673 with valine.
Molecular consequence: missense variant.
Genome position (GRCh38, 1-based): chr3:52,222,299, G>C on the plus strand (C>G on the coding strand, the complement: TLR9 is on the minus strand). VCF-style: chr3-52222299-G-C. GRCh37 (hg19) VCF-style: chr3-52256315-G-C.
Other names: short protein forms L673V.
Identifiers: ClinVar variation 4540452 (VCV004540452.1).
Genomic context (GRCh38, chr3:52,222,299, plus strand): 5'-TCAGGGCCTTCAGCTGGTTTCCTGCCAGGTCGAGGACTTCCAGTTTGGGCAGGAAGTGGA[G>C]GCTCCACCACTTAAAGAAGGCCAGGTAATTGTCACGGAGACGCAGCACCTGTAGGCTCTT-3'
Protein context (NP_059138.1, residues 663-683): NYLAFFKWWS[Leu673Val]HFLPKLEVLD